The following is an entry in ClinVar:

NM_000198.4(HSD3B2):c.35G>A (p.Gly12Glu)

Genes: HSD3B2 (hydroxy-delta-5-steroid dehydrogenase, 3 beta- and steroid delta-isomerase 2; plus strand), LOC109029530 (HSD3B2 5' regulatory region; plus strand). Cytogenetic location: 1p12.
Variant type: single nucleotide variant.
Coding change: c.35G>A on transcript NM_000198.4 (MANE Select); coding-DNA position 35, G replaced by A.
Protein change: p.Gly12Glu; replaces glycine 12 with glutamic acid.
Molecular consequence: missense variant.
Genome position (GRCh38, 1-based): chr1:119,415,454, G>A. VCF-style: chr1-119415454-G-A. GRCh37 (hg19) VCF-style: chr1-119958077-G-A.
Other names: c.35G>A, p.Gly12Glu (NM_001166120.2); short protein forms G12E.
Identifiers: ClinVar variation 1513071 (VCV001513071.11), dbSNP rs756607591, ClinGen allele CA1035865.

ClinVar aggregate classification (germline): Pathogenic. Review status: criteria provided, multiple submitters, no conflicts (2 of 4 stars). 3 submissions from 3 submitters: Pathogenic (3). Last evaluated 2025-03-19.

Conditions:
Congenital adrenal hyperplasia. Identifiers: Orphanet 418, MedGen C0001627, MONDO:0018479, HP:0008258.
3 beta-Hydroxysteroid dehydrogenase deficiency. Also called: 3-BETA-HSD DEFICIENCY; ADRENAL HYPERPLASIA II; 3b-hydroxysteroid dehydrogenase deficiency; ADRENAL HYPERPLASIA, CONGENITAL, DUE TO 3-BETA-HYDROXYSTEROID DEHYDROGENASE 2 DEFICIENCY; Congenital adrenal hyperplasia due to 3-beta-hydroxysteroid dehydrogenase deficiency. Identifiers: Orphanet 90791, MedGen C0342471, MeSH C538236, MONDO:0008727, OMIM 201810. Disease mechanism: loss of function.

Allele frequency attached by ClinVar (database versions not stated): gnomAD exomes below 0.00001; ExAC 0.00001; gnomAD 0.00001 and 0.00023; TOPMed 0.00025.
gnomAD v4.1: 33 of 1,613,900 alleles (0.002%); highest among the groups gnomAD compares: Admixed American, 0.0017%; no homozygotes.

Submissions (3):

Women's Health and Genetics/Laboratory Corporation of America, LabCorp
Classification: Pathogenic for Congenital adrenal hyperplasia. Last evaluated: 2025-03-19. Review status: criteria provided, single submitter. Criteria: LabCorp Variant Classification Summary - May 2015. Collection method: clinical testing. Allele origin: germline.
Comment: Variant summary: HSD3B2 c.35G>A (p.Gly12Glu) results in a non-conservative amino acid change in the encoded protein sequence. Five of five in-silico tools predict a damaging effect of the variant on protein function. The variant allele was found at a frequency of 4e-06 in 251190 control chromosomes. c.35G>A has been reported in the literature in multiple individuals affected with Congenital Adrenal Hyperplasia and has been described as a founder variant among the Old Order Amish of North America (e.g. Benkert_2015). These data indicate that the variant is very likely to be associated with disease. The following publication has been ascertained in the context of this evaluation (PMID: 26079780). ClinVar contains an entry for this variant (Variation ID: 1513071). Based on the evidence outlined above, the variant was classified as pathogenic.

Fulgent Genetics
Classification: Pathogenic for 3 beta-Hydroxysteroid dehydrogenase deficiency. Last evaluated: 2024-05-17. Review status: criteria provided, single submitter. Criteria: ACMG Guidelines, 2015. Collection method: clinical testing. Allele origin: germline.

Labcorp Genetics (formerly Invitae), Labcorp
Classification: Pathogenic. Last evaluated: 2024-01-29. Review status: criteria provided, single submitter. Criteria: Invitae Variant Classification Sherloc (09022015). Collection method: clinical testing. Allele origin: germline.
Comment: This sequence change replaces glycine, which is neutral and non-polar, with glutamic acid, which is acidic and polar, at codon 12 of the HSD3B2 protein (p.Gly12Glu). This variant is present in population databases (rs756607591, gnomAD 0.003%). This missense change has been observed in individuals with congenital adrenal hyperplasia (PMID: 26079780). ClinVar contains an entry for this variant (Variation ID: 1513071). Advanced modeling of protein sequence and biophysical properties (such as structural, functional, and spatial information, amino acid conservation, physicochemical variation, residue mobility, and thermodynamic stability) performed at Invitae indicates that this missense variant is expected to disrupt HSD3B2 protein function with a positive predictive value of 80%. For these reasons, this variant has been classified as Pathogenic.

Literature cited by the submitters: PubMed 26079780 (cited by Women's Health and Genetics/Laboratory Corporation of America, LabCorp and Labcorp Genetics (formerly Invitae), Labcorp).